The following is an entry in ClinVar:

ClinVar aggregate classification (germline): Pathogenic/Likely pathogenic. Review status: criteria provided, multiple submitters, no conflicts (2 of 4 stars). 2 submissions from 2 submitters: Pathogenic (1); Likely pathogenic (1). Last evaluated 2021-04-13.

Conditions:
Charcot-Marie-Tooth disease. Also called: Charcot-Marie-Tooth Hereditary Neuropathy; Charcot-Marie-Tooth Neuropathy. Identifiers: Orphanet 166, MedGen C0007959, MONDO:0015626.
Charcot-Marie-Tooth disease type 4. Also called: Charcot-Marie-Tooth, Type 4; Charcot-Marie-Tooth disease, type IV. Identifiers: Orphanet 64749, MedGen C4082197, MONDO:0018995.

Submissions (2):

Labcorp Genetics (formerly Invitae), Labcorp
Classification: Pathogenic for Charcot-Marie-Tooth disease type 4. Last evaluated: 2021-04-13. Review status: criteria provided, single submitter. Criteria: Invitae Variant Classification Sherloc (09022015). Collection method: clinical testing. Allele origin: germline.
Comment: This variant has not been reported in the literature in individuals with SH3TC2-related conditions. ClinVar contains an entry for this variant (Variation ID: 916949). This variant is not present in population databases (ExAC no frequency). This sequence change creates a premature translational stop signal (p.Lys284Argfs*3) in the SH3TC2 gene. It is expected to result in an absent or disrupted protein product. Loss-of-function variants in SH3TC2 are known to be pathogenic (PMID: 20220177, 27068304). For these reasons, this variant has been classified as Pathogenic.

Molecular Genetics Laboratory, London Health Sciences Centre
Classification: Likely pathogenic for Charcot-Marie-Tooth disease. Review status: criteria provided, single submitter. Criteria: ACMG Guidelines, 2015. Collection method: clinical testing. Allele origin: germline. Affected: yes.

Literature cited by the submitters: PubMed 20220177 (cited by Labcorp Genetics (formerly Invitae), Labcorp); PubMed 27068304 (cited by Labcorp Genetics (formerly Invitae), Labcorp).

NM_024577.4(SH3TC2):c.822_850dup (p.Lys284delinsArgProTer)

Gene: SH3TC2 (SH3 domain and tetratricopeptide repeats 2; minus strand). Cytogenetic location: 5q32.
Variant type: Duplication.
Coding change: c.822_850dup on transcript NM_024577.4 (MANE Select); coding-DNA positions 822 to 850, 29 bases duplicated (GGCCTTGACGGGTTATGAGCCAGGAGAAA).
Protein change: p.Lys284delinsArgProTer.
Molecular consequence: nonsense.
Genome position (GRCh38, 1-based): chr5:149,038,446-149,038,474, TTTCTCCTGGCTCATAACCCGTCAAGGCC duplicated on the plus strand (GGCCTTGACGGGTTATGAGCCAGGAGAAA on the coding strand, the reverse complement: SH3TC2 is on the minus strand); duplicating any 29 consecutive bases within chr5:149,038,446-149,038,476 gives the same sequence; the c. name uses the placement nearest the transcript's 3' end. VCF-style (leftmost placement, unchanged base first): chr5-149038445-T-TTTTCTCCTGGCTCATAACCCGTCAAGGCC. GRCh37 (hg19) VCF-style: chr5-148418008-T-TTTTCTCCTGGCTCATAACCCGTCAAGGCC.
Identifiers: ClinVar variation 916949 (VCV000916949.6), dbSNP rs1754319130, ClinGen allele CA1139659124.